The following is an entry in ClinVar:

ClinVar aggregate classification (germline): Uncertain significance (1 of 4 stars; one submission).

Conditions:
D-2-hydroxyglutaric aciduria 2 (D2HGA2). Identifiers: Orphanet 79315, MedGen C3150909, MONDO:0013345, OMIM 613657.

Submission:

Labcorp Genetics (formerly Invitae), Labcorp
Classification: Uncertain significance for D-2-hydroxyglutaric aciduria 2. Last evaluated: 2024-03-04. Review status: criteria provided, single submitter. Criteria: Invitae Variant Classification Sherloc (09022015). Collection method: clinical testing. Allele origin: germline.
Comment: This sequence change replaces lysine, which is basic and polar, with arginine, which is basic and polar, at codon 442 of the IDH2 protein (p.Lys442Arg). This variant is not present in population databases (gnomAD no frequency). This variant has not been reported in the literature in individuals affected with IDH2-related conditions. Advanced modeling of protein sequence and biophysical properties (such as structural, functional, and spatial information, amino acid conservation, physicochemical variation, residue mobility, and thermodynamic stability) performed at Invitae indicates that this missense variant is not expected to disrupt IDH2 protein function with a negative predictive value of 80%. In summary, the available evidence is currently insufficient to determine the role of this variant in disease. Therefore, it has been classified as a Variant of Uncertain Significance.

NM_002168.4(IDH2):c.1325A>G (p.Lys442Arg)

Gene: IDH2 (isocitrate dehydrogenase (NADP(+)) 2; minus strand). Cytogenetic location: 15q26.1.
Variant type: single nucleotide variant.
Coding change: c.1325A>G on transcript NM_002168.4 (MANE Select); coding-DNA position 1325, A replaced by G.
Protein change: p.Lys442Arg; replaces lysine 442 with arginine.
Molecular consequence: missense variant.
Genome position (GRCh38, 1-based): chr15:90,084,300, T>C on the plus strand (A>G on the coding strand, the complement: IDH2 is on the minus strand). VCF-style: chr15-90084300-T-C. GRCh37 (hg19) VCF-style: chr15-90627532-T-C.
Other names: c.1169A>G, p.Lys390Arg (NM_001289910.1); c.935A>G, p.Lys312Arg (NM_001290114.2); short protein forms K312R, K390R, K442R.
Identifiers: ClinVar variation 2858919 (VCV002858919.3), dbSNP rs2505782590, ClinGen allele CA393817675.